The following is an entry in ClinVar:

ClinVar aggregate classification (germline): Uncertain significance (1 of 4 stars; one submission).

Submission:

Labcorp Genetics (formerly Invitae), Labcorp
Classification: Uncertain significance. Last evaluated: 2024-06-10. Review status: criteria provided, single submitter. Criteria: Invitae Variant Classification Sherloc (09022015). Collection method: clinical testing. Allele origin: germline.
Comment: This sequence change replaces asparagine, which is neutral and polar, with lysine, which is basic and polar, at codon 83 of the NEDD4L protein (p.Asn83Lys). This variant is present in population databases (rs767767265, gnomAD 0.007%). This variant has not been reported in the literature in individuals affected with NEDD4L-related conditions. Advanced modeling of protein sequence and biophysical properties (such as structural, functional, and spatial information, amino acid conservation, physicochemical variation, residue mobility, and thermodynamic stability) performed at Invitae indicates that this missense variant is not expected to disrupt NEDD4L protein function with a negative predictive value of 80%. In summary, the available evidence is currently insufficient to determine the role of this variant in disease. Therefore, it has been classified as a Variant of Uncertain Significance.

NM_001144967.3(NEDD4L):c.249C>G (p.Asn83Lys)

Gene: NEDD4L (NEDD4 like E3 ubiquitin protein ligase; plus strand). Cytogenetic location: 18q21.31.
Variant type: single nucleotide variant.
Coding change: c.249C>G on transcript NM_001144967.3 (MANE Select); coding-DNA position 249, C replaced by G.
Protein change: p.Asn83Lys; replaces asparagine 83 with lysine.
Molecular consequence: missense variant. On other transcripts: 5 prime UTR variant (5).
Genome position (GRCh38, 1-based): chr18:58,252,006, C>G. VCF-style: chr18-58252006-C-G. GRCh37 (hg19) VCF-style: chr18-55919238-C-G.
Other names: c.-115C>G (NM_001144964.1, NM_001144965.2, NM_001144966.3 and 2 more transcripts); c.225C>G, p.Asn75Lys (NM_001144968.2, NM_001144969.2); c.249C>G, p.Asn83Lys (NM_001243960.2, NM_015277.6); short protein forms N83K, N75K.
Identifiers: ClinVar variation 3672000 (VCV003672000.2).
Genomic context (GRCh38, chr18:58,252,006, plus strand): 5'-TCGCTGTTCAAATGATTCCTGCTCGTTTAAAAAATACTATTTATGTTCCTTATAGGTAAA[C>G]CCATCTAATCACAGACTCCTATTTGAAGTATTTGACGAAAATAGACTGGTAAGTGGATGC-3'
Protein context (NP_001138439.1, residues 73-93): KWNEEFYFRV[Asn83Lys]PSNHRLLFEV